The following is an entry in ClinVar:

NC_000001.10:g.(?_213046000)_(213046180_?)del

Gene: FLVCR1 (FLVCR choline and heme transporter 1; plus strand). Cytogenetic location: 1q32.3.
Variant type: Deletion.
Identifiers: ClinVar variation 2425886 (VCV002425886.4).

ClinVar aggregate classification (germline): Pathogenic (1 of 4 stars; one submission).

Submission:

Labcorp Genetics (formerly Invitae), Labcorp
Classification: Pathogenic. Last evaluated: 2022-01-02. Review status: criteria provided, single submitter. Criteria: Invitae Variant Classification Sherloc (09022015). Collection method: clinical testing. Allele origin: germline.
Comment: This variant disrupts a region of the FLVCR1 protein in which other variant(s) (p.Tyr341Cys) have been determined to be pathogenic (PMID: 31884612). This suggests that this is a clinically significant region of the protein, and that variants that disrupt it are likely to be disease-causing. This variant has not been reported in the literature in individuals affected with FLVCR1-related conditions. This variant is a gross deletion of the genomic region encompassing exon(s) 3 of the FLVCR1 gene. This variant would be expected to be in-frame, preserving the integrity of the reading frame. For these reasons, this variant has been classified as Pathogenic.

Literature cited by the submitters: PubMed 31884612.